The following is an entry in ClinVar:

NM_001131016.2(CIZ1):c.184C>T (p.Gln62Ter)

Gene: CIZ1 (CDKN1A interacting zinc finger protein 1; minus strand). Cytogenetic location: 9q34.11.
Variant type: single nucleotide variant.
Coding change: c.184C>T on transcript NM_001131016.2 (MANE Select); coding-DNA position 184, C replaced by T.
Protein change: p.Gln62Ter; replaces glutamine 62 with a stop codon.
Molecular consequence: nonsense. On other transcripts: intron variant (1).
Genome position (GRCh38, 1-based): chr9:128,190,431, G>A on the plus strand (C>T on the coding strand, the complement: CIZ1 is on the minus strand). VCF-style: chr9-128190431-G-A. GRCh37 (hg19) VCF-style: chr9-130952710-G-A.
Other names: c.184C>T, p.Gln62Ter (NM_001131015.2, NM_001131017.2, NM_001131018.2 and 1 more transcripts); c.274C>T, p.Gln92Ter (NM_001257975.2); c.-18+257C>T (NM_001257976.2); short protein forms Q92*, Q62*.
Identifiers: ClinVar variation 2123049 (VCV002123049.4), dbSNP rs986939806, ClinGen allele CA200327459.

ClinVar aggregate classification (germline): Uncertain significance (1 of 4 stars; one submission).

Conditions:
Dystonic disorder. Also called: Dystonia. Identifiers: MedGen C0013421, MONDO:0003441, HP:0001332.

Submission:

Labcorp Genetics (formerly Invitae), Labcorp
Classification: Uncertain significance for Dystonic disorder. Last evaluated: 2023-06-29. Review status: criteria provided, single submitter. Criteria: Invitae Variant Classification Sherloc (09022015). Collection method: clinical testing. Allele origin: germline.
Comment: This variant has not been reported in the literature in individuals affected with CIZ1-related conditions. This variant is not present in population databases (gnomAD no frequency). This sequence change creates a premature translational stop signal (p.Gln62*) in the CIZ1 gene. It is expected to result in an absent or disrupted protein product. However, the current clinical and genetic evidence is not sufficient to establish whether loss-of-function variants in CIZ1 cause disease. ClinVar contains an entry for this variant (Variation ID: 2123049). In summary, the available evidence is currently insufficient to determine the role of this variant in disease. Therefore, it has been classified as a Variant of Uncertain Significance. Algorithms developed to predict the effect of sequence changes on RNA splicing suggest that this variant may disrupt the consensus splice site.